The following is an entry in ClinVar:

ClinVar aggregate classification (germline): Uncertain significance (1 of 4 stars; one submission).

Conditions:
DICER1-related tumor predisposition. Also called: DICER1-related pleuropulmonary blastoma cancer predisposition syndrome; DICER1 syndrome. Identifiers: Orphanet 284343, MedGen C3839822, MONDO:0100216.

Submission:

Labcorp Genetics (formerly Invitae), Labcorp
Classification: Uncertain significance for DICER1-related tumor predisposition. Last evaluated: 2021-02-24. Review status: criteria provided, single submitter. Criteria: Invitae Variant Classification Sherloc (09022015). Collection method: clinical testing. Allele origin: germline.
Comment: In summary, the available evidence is currently insufficient to determine the role of this variant in disease. Therefore, it has been classified as a Variant of Uncertain Significance. Algorithms developed to predict the effect of missense changes on protein structure and function are either unavailable or do not agree on the potential impact of this missense change (SIFT: "Tolerated"; PolyPhen-2: "Probably Damaging"; Align-GVGD: "Class C0"). This sequence change replaces glutamic acid with glutamine at codon 733 of the DICER1 protein (p.Glu733Gln). The glutamic acid residue is highly conserved and there is a small physicochemical difference between glutamic acid and glutamine. This variant is not present in population databases (ExAC no frequency). This variant has not been reported in the literature in individuals with DICER1-related conditions.

NM_177438.3(DICER1):c.2197G>C (p.Glu733Gln)

Gene: DICER1 (dicer 1, ribonuclease III; minus strand). Cytogenetic location: 14q32.13.
Variant type: single nucleotide variant.
Coding change: c.2197G>C on transcript NM_177438.3 (MANE Select); coding-DNA position 2197, G replaced by C.
Protein change: p.Glu733Gln; replaces glutamic acid 733 with glutamine.
Molecular consequence: missense variant.
Genome position (GRCh38, 1-based): chr14:95,111,376, C>G on the plus strand (G>C on the coding strand, the complement: DICER1 is on the minus strand). VCF-style: chr14-95111376-C-G. GRCh37 (hg19) VCF-style: chr14-95577713-C-G.
Other names: c.2197G>C, p.Glu733Gln (NM_001195573.1, NM_001271282.3, NM_001291628.2 and 1 more transcripts); short protein forms E733Q.
Identifiers: ClinVar variation 1411722 (VCV001411722.9), dbSNP rs2140067638, ClinGen allele CA390882637.